The following is an entry in ClinVar:

ClinVar aggregate classification (germline): Conflicting classifications of pathogenicity. Review status: criteria provided, conflicting classifications (1 of 4 stars). 2 submissions from 2 submitters: Uncertain significance (1); Likely benign (1). Last evaluated 2025-10-22.

Conditions:
Spastic paraplegia. Identifiers: MedGen C0037772, HP:0001258.
Leukodystrophy, hypomyelinating, 4. Also called: MITCHAP60 DISEASE; MITOCHONDRIAL HSP60 CHAPERONOPATHY. Identifiers: Orphanet 280270, Orphanet 280288, MedGen C2677109, MONDO:0012824, OMIM 612233.

Allele frequency attached by ClinVar (database versions not stated): gnomAD exomes 0.00003 and 0.00010; ExAC 0.00010; 1000 Genomes Project 30x 0.00016; 1000 Genomes Project 0.00020; gnomAD 0.00023; TOPMed 0.00029; ESP Exome Variant Server 0.00077.
gnomAD v4.1: 76 of 1,610,594 alleles (0.0047%); highest among the groups gnomAD compares: African/African-American, 0.096%; 1 homozygote.

Submissions (4):

Labcorp Genetics (formerly Invitae), Labcorp
Classification: Likely benign for Spastic paraplegia. Last evaluated: 2025-10-22. Review status: criteria provided, single submitter. Criteria: Invitae Variant Classification Sherloc (09022015). Collection method: clinical testing. Allele origin: germline.

Baylor Genetics
Classification: Uncertain significance for Leukodystrophy, hypomyelinating, 4. Last evaluated: 2019-11-20. Review status: criteria provided, single submitter. Criteria: ACMG Guidelines, 2015. Collection method: clinical testing. Allele origin: unknown. Affected: yes.
Comment: This variant was determined to be of uncertain significance according to ACMG Guidelines, 2015 [PMID:25741868].

Dr. Peter K. Rogan Lab, Western University
No classification provided (evidence only). Condition: Malignant tumor of urinary bladder. Review status: no classification provided. Collection method: in vitro. Allele origin: not applicable. Functional consequence: skipped exon. Not counted in ClinVar's aggregate classification.

Dr. Peter K. Rogan Lab, Western University
No classification provided (evidence only). Condition: Hepatocellular carcinoma. Review status: no classification provided. Collection method: in vitro. Allele origin: not applicable. Functional consequence: skipped exon. Not counted in ClinVar's aggregate classification.

NM_002156.5(HSPD1):c.871C>G (p.Leu291Val)

Gene: HSPD1 (heat shock protein family D (Hsp60) member 1; minus strand). Cytogenetic location: 2q33.1.
Variant type: single nucleotide variant.
Coding change: c.871C>G on transcript NM_002156.5 (MANE Select); coding-DNA position 871, C replaced by G.
Protein change: p.Leu291Val; replaces leucine 291 with valine.
Molecular consequence: missense variant.
Genome position (GRCh38, 1-based): chr2:197,490,295, G>C on the plus strand (C>G on the coding strand, the complement: HSPD1 is on the minus strand). VCF-style: chr2-197490295-G-C. GRCh37 (hg19) VCF-style: chr2-198355019-G-C.
Other names: c.871C>G, p.Leu291Val (NM_199440.2); short protein forms L291V.
Identifiers: ClinVar variation 410974 (VCV000410974.14), dbSNP rs139649754, ClinGen allele CA2043471.